The following is an entry in ClinVar:

NM_014846.4(WASHC5):c.3182-16A>G

Genes: WASHC5 (WASH complex subunit 5; minus strand), LOC126860498 (P300/CBP strongly-dependent group 1 enhancer GRCh37_chr8:126043836-126045035; plus strand). Cytogenetic location: 8q24.13.
Variant type: single nucleotide variant.
Coding change: c.3182-16A>G on transcript NM_014846.4 (MANE Select); 16 bases into the intron before coding-DNA position 3182, A replaced by G.
Molecular consequence: intron variant.
Genome position (GRCh38, 1-based): chr8:125,032,410, T>C on the plus strand (A>G on the coding strand, the complement: WASHC5 is on the minus strand). VCF-style: chr8-125032410-T-C. GRCh37 (hg19) VCF-style: chr8-126044652-T-C.
Other names: c.2738-16A>G (NM_001330609.2).
Identifiers: ClinVar variation 2931251 (VCV002931251.5), dbSNP rs759907949, ClinGen allele CA4873288.

ClinVar aggregate classification (germline): Conflicting classifications of pathogenicity. Review status: criteria provided, conflicting classifications (1 of 4 stars). 3 submissions from 3 submitters: Uncertain significance (2); Likely benign (1). Last evaluated 2026-03-12.

Conditions:
Ritscher-Schinzel syndrome. Also called: CRANIOCEREBELLOCARDIAC DYSPLASIA. Identifiers: Orphanet 7, MedGen C0796137, MONDO:0019078.
Hereditary spastic paraplegia 8 (SPG8). Also called: SPASTIC PARAPLEGIA 8, AUTOSOMAL DOMINANT. Identifiers: Orphanet 100989, MedGen C1863704, MONDO:0011339, OMIM 603563.

Allele frequency attached by ClinVar (database versions not stated): gnomAD 0.00001; gnomAD exomes 0.00001; TOPMed 0.00001; ExAC 0.00002.
gnomAD v4.1: 22 of 1,613,374 alleles (0.0014%); highest among the groups gnomAD compares: Admixed American, 0.0083%; no homozygotes.

Submissions (3):

GeneDx
Classification: Uncertain significance. Last evaluated: 2026-03-12. Review status: criteria provided, single submitter. Criteria: GeneDx Variant Classification Process June 2021. Collection method: clinical testing. Allele origin: germline.
Comment: In silico analysis supports a deleterious effect on splicing; Has not been previously published as pathogenic or benign to our knowledge

Labcorp Genetics (formerly Invitae), Labcorp
Classification: Uncertain significance for Ritscher-Schinzel syndrome; Hereditary spastic paraplegia 8. Last evaluated: 2025-07-14. Review status: criteria provided, single submitter. Criteria: Invitae Variant Classification Sherloc (09022015). Collection method: clinical testing. Allele origin: germline.
Comment: This sequence change falls in intron 26 of the WASHC5 gene. It does not directly change the encoded amino acid sequence of the WASHC5 protein. This variant is present in population databases (rs759907949, gnomAD 0.006%). This variant has not been reported in the literature in individuals affected with WASHC5-related conditions. ClinVar contains an entry for this variant (Variation ID: 2931251). Algorithms developed to predict the effect of sequence changes on RNA splicing suggest that this variant may disrupt the consensus splice site. In summary, the available evidence is currently insufficient to determine the role of this variant in disease. Therefore, it has been classified as a Variant of Uncertain Significance.

Women's Health and Genetics/Laboratory Corporation of America, LabCorp
Classification: Likely benign. Last evaluated: 2024-01-03. Review status: criteria provided, single submitter. Criteria: LabCorp Variant Classification Summary - May 2015. Collection method: clinical testing. Allele origin: germline.
Comment: Variant summary: KIAA0196 (aka WASHC5) c.3182-16A>G alters a non-conserved nucleotide located at a position not widely known to affect splicing. Consensus agreement among computation tools predict no significant impact on normal splicing. However, these predictions have yet to be confirmed by functional studies. The variant allele was found at a frequency of 1.4e-05 in 1606776 control chromosomes (i.e. 22 carriers) in the gnomAD database (v4.0 dataset). To our knowledge, no occurrence of c.3182-16A>G in individuals affected with Ritscher-Schinzel Syndrome 1 and no experimental evidence demonstrating its impact on protein function have been reported. No submitters have cited clinical-significance assessments for this variant to ClinVar after 2014. Based on the evidence outlined above, the variant was classified as likely benign.